The following is an entry in ClinVar:

NM_015896.4(ZMYND10):c.20T>C (p.Leu7Pro)

Gene: ZMYND10 (zinc finger MYND-type containing 10; minus strand). Cytogenetic location: 3p21.31.
Variant type: single nucleotide variant.
Coding change: c.20T>C on transcript NM_015896.4 (MANE Select); coding-DNA position 20, T replaced by C.
Protein change: p.Leu7Pro; replaces leucine 7 with proline.
Molecular consequence: missense variant.
Genome position (GRCh38, 1-based): chr3:50,345,560, A>G on the plus strand (T>C on the coding strand, the complement: ZMYND10 is on the minus strand). VCF-style: chr3-50345560-A-G. GRCh37 (hg19) VCF-style: chr3-50382991-A-G.
Other names: c.20T>C, p.Leu7Pro (NM_001308379.2); short protein forms L7P.
Identifiers: ClinVar variation 2197376 (VCV002197376.4), dbSNP rs1365093953, ClinGen allele CA352946172.

ClinVar aggregate classification (germline): Uncertain significance (1 of 4 stars; one submission).

Conditions:
Primary ciliary dyskinesia. Also called: Ciliary dyskinesia. Identifiers: Orphanet 244, MedGen C0008780, MONDO:0016575, HP:0012265.

Allele frequency attached by ClinVar (database versions not stated): gnomAD exomes below 0.00001; gnomAD 0.00001.
gnomAD v4.1: 2 of 1,605,072 alleles (0.00012%); highest among the groups gnomAD compares: Non-Finnish European, 0.00017%; no homozygotes.

Submission:

Labcorp Genetics (formerly Invitae), Labcorp
Classification: Uncertain significance for Primary ciliary dyskinesia. Last evaluated: 2022-02-25. Review status: criteria provided, single submitter. Criteria: Invitae Variant Classification Sherloc (09022015). Collection method: clinical testing. Allele origin: germline.
Comment: In summary, the available evidence is currently insufficient to determine the role of this variant in disease. Therefore, it has been classified as a Variant of Uncertain Significance. Algorithms developed to predict the effect of missense changes on protein structure and function are either unavailable or do not agree on the potential impact of this missense change (SIFT: "Deleterious"; PolyPhen-2: "Probably Damaging"; Align-GVGD: "Class C0"). This variant has not been reported in the literature in individuals affected with ZMYND10-related conditions. This variant is present in population databases (no rsID available, gnomAD 0.007%). This sequence change replaces leucine, which is neutral and non-polar, with proline, which is neutral and non-polar, at codon 7 of the ZMYND10 protein (p.Leu7Pro).